The following is an entry in ClinVar:

ClinVar aggregate classification (germline): Conflicting classifications of pathogenicity. Review status: criteria provided, conflicting classifications (1 of 4 stars). 3 submissions from 3 submitters: Uncertain significance (2); Likely benign (1). Last evaluated 2025-06-02.

Conditions:
Ehlers-Danlos syndrome, classic type, 1 (EDSCL1). Also called: Ehlers-Danlos Syndrome, Classic Type, COL5A1-Related; Ehlers-Danlos syndrome, type 1; EDS I; EHLERS-DANLOS SYNDROME, GRAVIS TYPE; EHLERS-DANLOS SYNDROME, SEVERE CLASSIC TYPE. Identifiers: MedGen C0268335, MONDO:0019567, OMIM 130000.
Familial thoracic aortic aneurysm and aortic dissection (TAAD). Also called: Thoracic aortic aneurysms and dissections. Identifiers: Orphanet 91387, MedGen C4707243, MONDO:0019625.

Allele frequency attached by ClinVar (database versions not stated): gnomAD exomes below 0.00001; ExAC 0.00001; gnomAD 0.00001.
gnomAD v4.1: 11 of 1,614,002 alleles (0.00068%); highest among the groups gnomAD compares: East Asian, 0.0045%; no homozygotes.

Submissions (3):

Ambry Genetics
Classification: Uncertain significance for Familial thoracic aortic aneurysm and aortic dissection. Last evaluated: 2025-06-02. Review status: criteria provided, single submitter. Criteria: Ambry Variant Classification Scheme 2023. Collection method: clinical testing. Allele origin: germline.
Comment: The p.P1700L variant (also known as c.5099C>T), located in coding exon 64 of the COL5A1 gene, results from a C to T substitution at nucleotide position 5099. The proline at codon 1700 is replaced by leucine, an amino acid with similar properties. This variant has been reported in an ischemic stroke cohort (Alkhamis FA et al. Funct Integr Genomics, 2023 Mar;23:102). This amino acid position is well conserved in available vertebrate species. In addition, the in silico prediction for this alteration is inconclusive. Based on the available evidence, the clinical significance of this variant remains unclear.

Labcorp Genetics (formerly Invitae), Labcorp
Classification: Likely benign for Ehlers-Danlos syndrome, classic type, 1. Last evaluated: 2024-02-07. Review status: criteria provided, single submitter. Criteria: Invitae Variant Classification Sherloc (09022015). Collection method: clinical testing. Allele origin: germline.

Blueprint Genetics
Classification: Uncertain significance. Last evaluated: 2019-05-07. Review status: criteria provided, single submitter. Criteria: ACMG Guidelines, 2015. Collection method: clinical testing. Allele origin: germline.

Literature cited by the submitters: PubMed 36973604 (cited by Ambry Genetics).

NM_000093.5(COL5A1):c.5099C>T (p.Pro1700Leu)

Genes: COL5A1 (collagen type V alpha 1 chain; plus strand), LOC101448202 (uncharacterized LOC101448202; minus strand). Cytogenetic location: 9q34.3.
Variant type: single nucleotide variant.
Coding change: c.5099C>T on transcript NM_000093.5 (MANE Select); coding-DNA position 5099, C replaced by T.
Protein change: p.Pro1700Leu; replaces proline 1700 with leucine.
Molecular consequence: missense variant. On other transcripts: intron variant (1).
Genome position (GRCh38, 1-based): chr9:134,830,007, C>T. VCF-style: chr9-134830007-C-T. GRCh37 (hg19) VCF-style: chr9-137721853-C-T.
Other names: c.5068-101C>T (NM_001278074.1); c.5099C>T (NM_000093.3); short protein forms P1700L.
Identifiers: ClinVar variation 1053978 (VCV001053978.12), dbSNP rs751699482, ClinGen allele CA5320580.